The following is an entry in ClinVar:

NM_000138.5(FBN1):c.2497TCT[1] (p.Ser834del)

Gene: FBN1 (fibrillin 1; minus strand). Cytogenetic location: 15q21.1.
Variant type: Microsatellite.
Coding change: c.2497TCT[1] on transcript NM_000138.5 (MANE Select); one copy of the 3-base unit TCT starting at c.2497; the reference has two copies in a row; one copy, 3 bases deleted; also written c.2500_2502del.
Protein change: p.Ser834del; deletes serine 834.
Molecular consequence: inframe indel (on NM_000138.4).
Genome position (GRCh38, 1-based): chr15:48,495,506-48,495,508, AGA deleted on the plus strand (TCT on the coding strand, the reverse complement: FBN1 is on the minus strand); deleting any 3 consecutive bases within chr15:48,495,506-48,495,512 gives the same sequence; the position shown is the placement nearest the transcript's 3' end. VCF-style (leftmost placement, unchanged base first): chr15-48495505-CAGA-C. GRCh37 (hg19) VCF-style: chr15-48787702-CAGA-C.
Other names: c.2500_2502del (NM_000138.4); c.2496_2498TTC[1], p.Ser834del (NM_000138.4); c.2497TCT[1], p.Ser834del (NM_001406716.1); short protein forms S834del.
Identifiers: ClinVar variation 4082732 (VCV004082732.1).
Genomic context (GRCh38, chr15:48,495,505, plus strand): 5'-AATCATTCTCAGAAAGATAAATACCTATGCAGATGGTTTTTGTTGGATCCAAAGTACTTT[CAGA>C]AGAACATTCACAAATAAAAGAGCCTGGGCTGTTCTTGCAGACTCCATTAATGCAAGGACT-3'

ClinVar aggregate classification (germline): Uncertain significance (1 of 4 stars; one submission).

Submission:

GeneDx
Classification: Uncertain significance. Last evaluated: 2025-03-03. Review status: criteria provided, single submitter. Criteria: GeneDx Variant Classification Process June 2021. Collection method: clinical testing. Allele origin: germline. Affected: yes.
Comment: Not observed at significant frequency in large population cohorts (gnomAD); In-frame deletion of 1 amino acid(s) in a non-repeat region; In silico analysis supports a deleterious effect on protein structure/function; Has not been previously published as pathogenic or benign to our knowledge; This variant is associated with the following publications: (PMID: 12938084)